The following is an entry in ClinVar:

NM_001080453.3(INTS1):c.2971A>G (p.Met991Val)

Gene: INTS1 (integrator complex subunit 1; minus strand). Cytogenetic location: 7p22.3.
Variant type: single nucleotide variant.
Coding change: c.2971A>G on transcript NM_001080453.3 (MANE Select); coding-DNA position 2971, A replaced by G.
Protein change: p.Met991Val; replaces methionine 991 with valine.
Molecular consequence: missense variant.
Genome position (GRCh38, 1-based): chr7:1,486,630, T>C on the plus strand (A>G on the coding strand, the complement: INTS1 is on the minus strand). VCF-style: chr7-1486630-T-C. GRCh37 (hg19) VCF-style: chr7-1526266-T-C.
Other names: short protein forms M991V.
Identifiers: ClinVar variation 3359628 (VCV003359628.2).

ClinVar aggregate classification (germline): Uncertain significance. Review status: criteria provided, multiple submitters, no conflicts (2 of 4 stars). 2 submissions from 2 submitters: Uncertain significance (2). Last evaluated 2024-09-02.

Conditions:
Inborn genetic diseases. Identifiers: MedGen C0950123, MeSH D030342.

gnomAD v4.1: 88 of 1,611,436 alleles (0.0055%); highest among the groups gnomAD compares: Admixed American, 0.13%; 1 homozygote.

Submissions (2):

Ambry Genetics
Classification: Uncertain significance for Inborn genetic diseases. Last evaluated: 2024-09-02. Review status: criteria provided, single submitter. Criteria: Ambry Variant Classification Scheme 2023. Collection method: clinical testing. Allele origin: germline.

GeneDx
Classification: Uncertain significance. Last evaluated: 2023-06-07. Review status: criteria provided, single submitter. Criteria: GeneDx Variant Classification Process June 2021. Collection method: clinical testing. Allele origin: germline. Affected: yes.
Comment: In silico analysis supports that this missense variant does not alter protein structure/function; Has not been previously published as pathogenic or benign to our knowledge